The following is an entry in ClinVar:

NM_018684.4(ZC4H2):c.243_246del (p.Lys81fs)

Gene: ZC4H2 (zinc finger C4H2-type containing; minus strand). Cytogenetic location: Xq11.2.
Variant type: Deletion.
Coding change: c.243_246del on transcript NM_018684.4 (MANE Select); coding-DNA positions 243 to 246, 4 bases deleted (ACAA; older notation c.243_246delACAA).
Protein change: p.Lys81fs; shifts the reading frame from lysine 81.
Molecular consequence: frameshift variant. On other transcripts: non-coding transcript variant (1).
Genome position (GRCh38, 1-based): chrX:64,920,233-64,920,236, TTGT deleted on the plus strand (ACAA on the coding strand, the reverse complement: ZC4H2 is on the minus strand); deleting any 4 consecutive bases within chrX:64,920,233-64,920,239 gives the same sequence; the c. name uses the placement nearest the transcript's 3' end. VCF-style (leftmost placement, unchanged base first): chrX-64920232-ATTGT-A. GRCh37 (hg19) VCF-style: chrX-64140112-ATTGT-A.
Other names: c.243_246delACAA (NM_018684.3); c.174_177del, p.Lys58fs (NM_001178032.3, NM_001243804.2); c.243_246del, p.Lys81fs (NM_001178033.3); short protein forms K58fs, K81fs.
Identifiers: ClinVar variation 977161 (VCV000977161.6), dbSNP rs1929136990, ClinGen allele CA915940845.

ClinVar aggregate classification (germline): Pathogenic. Review status: criteria provided, multiple submitters, no conflicts (2 of 4 stars). 3 submissions from 3 submitters: Pathogenic (3). Last evaluated 2024-10-09.

Conditions:
Inborn genetic diseases. Identifiers: MedGen C0950123, MeSH D030342.
Wieacker-Wolff syndrome. Also called: MENTAL RETARDATION, X-LINKED, WITH CONGENITAL CONTRACTURES AND LOW FINGERTIP ARCHES; MENTAL RETARDATION, X-LINKED, SYNDROMIC 4; Miles-Carpenter syndrome; APRAXIA, OCULOMOTOR, WITH CONGENITAL CONTRACTURES AND MUSCLE ATROPHY; CONTRACTURES OF FEET, MUSCLE ATROPHY, AND OCULOMOTOR APRAXIA; Wieacker-Wolff, X-linked recessive. Identifiers: Orphanet 3454, Orphanet 85283, MedGen C0796200, MONDO:0010758, OMIM 314580.

Submissions (3):

GeneDx
Classification: Pathogenic. Last evaluated: 2024-10-09. Review status: criteria provided, single submitter. Criteria: GeneDx Variant Classification Process June 2021. Collection method: clinical testing. Allele origin: germline.
Comment: Frameshift variant predicted to result in protein truncation or nonsense mediated decay in a gene for which loss of function is a known mechanism of disease; Not observed at significant frequency in large population cohorts (gnomAD); This variant is associated with the following publications: (PMID: 31206972, 38585811)

Broad Center for Mendelian Genomics, Broad Institute of MIT and Harvard
Classification: Pathogenic for Wieacker-Wolff syndrome. Last evaluated: 2020-05-29. Review status: criteria provided, single submitter. Criteria: ACMG Guidelines, 2015. Collection method: research. Allele origin: germline. Inheritance: X-linked inheritance.
Comment: Trio genome analysis showed this variant to be de novo. The variant was absent from large population studies. This variant is predicted to cause a frameshift, which alters the proteinâ€™s amino acid sequence beginning at position 81 and leads to a premature termination codon 6 amino acids downstream. This alteration is then predicted to lead to a truncated or absent protein. While there is some evidence to suggest that heterozygous and hemizygous loss of function of the ZC4H2 gene is a disease mechanism in Wieacker-Wolff syndrome, this association is not yet strongly established based on the criteria laid out in Tayoun, 2018 (PMID: 30192042). In summary, this variant meets criteria to be classified as pathogenic for Wieacker-Wolff syndrome in an X-linked manner based on the predicted loss of function effect of this variant and a de novo occurrence of this variant in an affected individual. ACMG/AMP Criteria applied: PVS1_strong, PS2, PM2 (Richards 2015).

Ambry Genetics
Classification: Pathogenic for Inborn genetic diseases. Last evaluated: 2019-09-30. Review status: criteria provided, single submitter. Criteria: Ambry exome assertion method (8-5-2015). Collection method: clinical testing. Allele origin: germline. Affected: yes. Observed: 1 variant allele.